The following is an entry in ClinVar:

ClinVar aggregate classification (germline): Uncertain significance (1 of 4 stars; one submission).

Conditions:
Hereditary cancer-predisposing syndrome. Also called: Hereditary neoplastic syndrome; Neoplastic Syndromes, Hereditary; Tumor predisposition; Hereditary Cancer Syndrome. Identifiers: Orphanet 140162, MedGen C0027672, MeSH D009386, MONDO:0015356.

Submission:

Ambry Genetics
Classification: Uncertain significance for Hereditary cancer-predisposing syndrome. Last evaluated: 2024-12-14. Review status: criteria provided, single submitter. Criteria: Ambry Variant Classification Scheme 2023. Collection method: clinical testing. Allele origin: germline.
Comment: The p.A920V variant (also known as c.2759C>T), located in coding exon 23 of the EGFR gene, results from a C to T substitution at nucleotide position 2759. The alanine at codon 920 is replaced by valine, an amino acid with similar properties. This amino acid position is highly conserved in available vertebrate species. In addition, the in silico prediction for this alteration is inconclusive. Based on the available evidence, the clinical significance of this variant remains unclear.

NM_005228.5(EGFR):c.2759C>T (p.Ala920Val)

Gene: EGFR (epidermal growth factor receptor; plus strand). Cytogenetic location: 7p11.2.
Variant type: single nucleotide variant.
Coding change: c.2759C>T on transcript NM_005228.5 (MANE Select); coding-DNA position 2759, C replaced by T.
Protein change: p.Ala920Val; replaces alanine 920 with valine.
Molecular consequence: missense variant.
Genome position (GRCh38, 1-based): chr7:55,198,774, C>T. VCF-style: chr7-55198774-C-T. GRCh37 (hg19) VCF-style: chr7-55266467-C-T.
Other names: c.2624C>T, p.Ala875Val (NM_001346897.2, NM_001346899.2); c.2759C>T, p.Ala920Val (NM_001346898.2); c.2600C>T, p.Ala867Val (NM_001346900.2); c.1958C>T, p.Ala653Val (NM_001346941.2); short protein forms A867V, A920V, A875V, A653V.
Identifiers: ClinVar variation 3843753 (VCV003843753.1).